The following is an entry in ClinVar:

NM_024529.5(CDC73):c.820G>C (p.Ala274Pro)

Gene: CDC73 (cell division cycle 73; plus strand). Cytogenetic location: 1q31.2.
Variant type: single nucleotide variant.
Coding change: c.820G>C on transcript NM_024529.5 (MANE Select); coding-DNA position 820, G replaced by C.
Protein change: p.Ala274Pro; replaces alanine 274 with proline.
Molecular consequence: missense variant.
Genome position (GRCh38, 1-based): chr1:193,147,957, G>C. VCF-style: chr1-193147957-G-C. GRCh37 (hg19) VCF-style: chr1-193117087-G-C.
Other names: short protein forms A274P.
Identifiers: ClinVar variation 2459513 (VCV002459513.2), dbSNP rs2103130624, ClinGen allele CA343964239.

ClinVar aggregate classification (germline): Uncertain significance (1 of 4 stars; one submission).

Conditions:
Hereditary cancer-predisposing syndrome. Also called: Neoplastic Syndromes, Hereditary; Hereditary neoplastic syndrome; Tumor predisposition; Hereditary Cancer Syndrome. Identifiers: Orphanet 140162, MedGen C0027672, MeSH D009386, MONDO:0015356.

Submission:

Ambry Genetics
Classification: Uncertain significance for Hereditary cancer-predisposing syndrome. Last evaluated: 2022-12-31. Review status: criteria provided, single submitter. Criteria: Ambry Variant Classification Scheme 2023. Collection method: clinical testing. Allele origin: germline.
Comment: The p.A274P variant (also known as c.820G>C), located in coding exon 8 of the CDC73 gene, results from a G to C substitution at nucleotide position 820. The alanine at codon 274 is replaced by proline, an amino acid with highly similar properties. This amino acid position is conserved. In addition, this alteration is predicted to be tolerated by in silico analysis. Since supporting evidence is limited at this time, the clinical significance of this alteration remains unclear.